The following is an entry in ClinVar:

ClinVar aggregate classification (germline): Uncertain significance (1 of 4 stars; one submission).

Conditions:
Intellectual developmental disorder, autosomal dominant 50, with behavioral abnormalities. Also called: Intellectual disability, autosomal dominant 50; MENTAL RETARDATION, AUTOSOMAL DOMINANT 50. Identifiers: MedGen C4540470, MONDO:0030916, OMIM 617787.

Allele frequency attached by ClinVar (database versions not stated): gnomAD exomes below 0.00001; ExAC 0.00001.
gnomAD v4.1: 1 of 1,609,016 alleles (0.000062%); highest among the groups gnomAD compares: African/African-American, 0.0013%; no homozygotes.

Submission:

Laboratorio de Genetica e Diagnostico Molecular, Hospital Israelita Albert Einstein
Classification: Uncertain significance for Intellectual developmental disorder, autosomal dominant 50, with behavioral abnormalities. Last evaluated: 2022-02-08. Review status: criteria provided, single submitter. Criteria: ACMG Guidelines, 2015. Collection method: clinical testing. Allele origin: germline. Affected: yes.
Comment: ACMG classification criteria: PM2 moderate, BP4 supporting

NM_057175.5(NAA15):c.2333C>T (p.Ser778Phe)

Gene: NAA15 (N-alpha-acetyltransferase 15, NatA auxiliary subunit; plus strand). Cytogenetic location: 4q31.1.
Variant type: single nucleotide variant.
Coding change: c.2333C>T on transcript NM_057175.5 (MANE Select); coding-DNA position 2333, C replaced by T.
Protein change: p.Ser778Phe; replaces serine 778 with phenylalanine.
Molecular consequence: missense variant.
Genome position (GRCh38, 1-based): chr4:139,386,163, C>T. VCF-style: chr4-139386163-C-T. GRCh37 (hg19) VCF-style: chr4-140307317-C-T.
Other names: short protein forms S778F.
Identifiers: ClinVar variation 1683738 (VCV001683738.2), dbSNP rs747017034, ClinGen allele CA3083823.